The following is an entry in ClinVar:

NM_033305.3(VPS13A):c.8223_8226delinsAA (p.Phe2741fs)

Gene: VPS13A (vacuolar protein sorting 13 homolog A; plus strand). Cytogenetic location: 9q21.2.
Variant type: Indel.
Coding change: c.8223_8226delinsAA on transcript NM_033305.3 (MANE Select); coding-DNA positions 8223 to 8226, TCAT replaced by AA.
Protein change: p.Phe2741fs; shifts the reading frame from phenylalanine 2741.
Molecular consequence: frameshift variant.
Genome position (GRCh38, 1-based): chr9:77,365,471-77,365,474, TCAT replaced by AA. VCF-style: chr9-77365471-TCAT-AA. GRCh37 (hg19) VCF-style: chr9-79980387-TCAT-AA.
Other names: c.8106_8109delinsAA, p.Phe2702fs (NM_001018037.2); c.8223_8226delinsAA, p.Phe2741fs (NM_001018038.3, NM_015186.4); short protein forms F2702fs, F2741fs.
Identifiers: ClinVar variation 5010589 (VCV005010589.1).

ClinVar aggregate classification (germline): Pathogenic (1 of 4 stars; one submission).

Conditions:
VPS13A-related neurodegenerative disease. Also called: ACANTHOCYTOSIS WITH NEUROLOGIC DISORDER; LEVINE-CRITCHLEY SYNDROME; Choreoacanthocytosis; Chorea-acanthocytosis; Choreaacanthocytosis; VPS13A Disease. Identifiers: Orphanet 2388, MedGen C0393576, MONDO:0008695, OMIM 200150.

Submission:

Myriad Genetics, Inc.
Classification: Pathogenic for VPS13A-related neurodegenerative disease. Last evaluated: 2024-05-14. Review status: criteria provided, single submitter. Criteria: Myriad Autosomal Dominant, Autosomal Recessive and X-Linked Classification Criteria (2023). Collection method: clinical testing. Allele origin: unknown.
Comment: NM_033305.2(VPS13A):c.8223_8226delTCATinsAA(F2741Lfs*12) is expected to be pathogenic in the context of VPS13A disease. This variant is predicted to lead to an abnormal or absent protein product due to the creation of a premature termination codon in VPS13A, a gene where loss-of-function variants are known to be pathogenic. Please note: this variant was assessed in the context of healthy population screening.